The following is an entry in ClinVar:

ClinVar aggregate classification (germline): Pathogenic/Likely pathogenic. Review status: criteria provided, multiple submitters, no conflicts (2 of 4 stars). 10 submissions from 10 submitters: Pathogenic (9); Likely pathogenic (1). Last evaluated 2026-02-01.

Conditions:
MCCC1-related disorder. Also called: MCCC1-related condition.
Methylcrotonyl-CoA carboxylase deficiency. Also called: Deficiency of methylcrotonoyl-CoA carboxylase; 3-MCC Deficiency; 3 Methylcrotonylglycinuria. Identifiers: Orphanet 6, MedGen C4551505, MONDO:0018950.
3-methylcrotonyl-CoA carboxylase 1 deficiency (MCC1D). Also called: MCCD TYPE 1; METHYLCROTONYLGLYCINURIA TYPE I; MCC 1 deficiency; 3 Alpha methylcrotonylglycinuria 1. Identifiers: Orphanet 6, MedGen CN028786, MONDO:0008861, OMIM 210200.

Allele frequency attached by ClinVar (database versions not stated): gnomAD 0.00002 and 0.00003; gnomAD exomes 0.00002 and 0.00005; TOPMed 0.00002; ExAC 0.00007; 1000 Genomes Project 30x 0.00016; 1000 Genomes Project 0.00020.
gnomAD v4.1: 35 of 1,609,548 alleles (0.0022%); highest among the groups gnomAD compares: Middle Eastern, 0.017%; no homozygotes.

Submissions (10):

Labcorp Genetics (formerly Invitae), Labcorp
Classification: Pathogenic for 3-methylcrotonyl-CoA carboxylase 1 deficiency. Last evaluated: 2026-02-01. Review status: criteria provided, single submitter. Criteria: Invitae Variant Classification Sherloc (09022015). Collection method: clinical testing. Allele origin: germline.
Comment: This sequence change creates a premature translational stop signal (p.Arg281*) in the MCCC1 gene. It is expected to result in an absent or disrupted protein product. Loss-of-function variants in MCCC1 are known to be pathogenic (PMID: 11181649, 15359379, 22642865). This variant is present in population databases (rs185741664, gnomAD 0.02%). This premature translational stop signal has been observed in individual(s) with mild biochemical features of 3MCC deficiency (PMID: 22264772, 22642865). ClinVar contains an entry for this variant (Variation ID: 203795). For these reasons, this variant has been classified as Pathogenic.

Women's Health and Genetics/Laboratory Corporation of America, LabCorp
Classification: Pathogenic for Methylcrotonyl-CoA carboxylase deficiency. Last evaluated: 2025-11-12. Review status: criteria provided, single submitter. Criteria: LabCorp Variant Classification Summary - May 2015. Collection method: clinical testing. Allele origin: germline.
Comment: Variant summary: MCCC1 c.841C>T (p.Arg281X) results in a premature termination codon, predicted to cause a truncation of the encoded protein or absence of the protein due to nonsense mediated decay, which are commonly known mechanisms for disease. The variant allele was found at a frequency of 4.5e-05 in 244004 control chromosomes. This frequency is not significantly higher than estimated for disease-causing variants in MCCC1, allowing no conclusion about variant significance. c.841C>T has been observed in individual(s) affected with Methylcrotonyl-CoA Carboxylase Deficiency (Shepard_2015). To our knowledge, no experimental evidence demonstrating an impact on protein function has been reported. The following publication have been ascertained in the context of this evaluation (PMID: 25356967). ClinVar contains an entry for this variant (Variation ID: 203795). Based on the evidence outlined above, the variant was classified as pathogenic.

Natera, Inc.
Classification: Pathogenic for 3-methylcrotonyl-CoA carboxylase 1 deficiency. Last evaluated: 2025-10-15. Review status: criteria provided, single submitter. Criteria: Natera Variant Classification Schema (03/2026). Collection method: clinical testing. Allele origin: germline.
Comment: The c.841C>T variant in MCCC1 is a nonsense variant predicted to introduce a stop codon at amino acid 281. This variant is expected to result in nonsense mediated decay, truncation, or a dysfunctional protein product. This variant is rare in the general population with a frequency below the threshold expected for the associated phenotype(s). This variant has been observed in one or more individuals affected with the associated recessive disease, as either homozygous or compound heterozygous with a second variant (PMID: 25356967). Given the available evidence, this variant is classified as Pathogenic.

PreventionGenetics, part of Exact Sciences
Classification: Pathogenic for MCCC1-related condition. Last evaluated: 2025-09-07. Review status: criteria provided, single submitter. Criteria: ACMG Guidelines, 2015. Collection method: clinical testing. Allele origin: germline.
Comment: The MCCC1 c.841C>T variant is predicted to result in premature protein termination (p.Arg281*). This variant has been reported to be causative for 3-methylcrotonyl-CoA carboxylase deficiency (Shepard et al. 2015. PubMed ID: 25356967). This variant is reported in 0.021% of alleles in individuals of Latino descent in gnomAD. Nonsense variants in MCCC1 are expected to be pathogenic. This variant is interpreted as pathogenic.

3billion
Classification: Pathogenic for 3-methylcrotonyl-CoA carboxylase 1 deficiency. Last evaluated: 2024-12-31. Review status: criteria provided, single submitter. Criteria: ACMG Guidelines, 2015. Collection method: clinical testing. Allele origin: germline. Affected: yes.
Comment: The variant is observed at an extremely low frequency in the gnomAD v4.1.0 dataset (total allele frequency: 0.002%). Predicted Consequence/Location: Stop-gained (nonsense): predicted to result in a loss or disruption of normal protein function through nonsense-mediated decay (NMD) or protein truncation. Multiple pathogenic variants are reported downstream of the variant. The variant has been reported at least twice as pathogenic with clinical assertions and evidence for the classification (ClinVar ID: VCV000203795 /PMID: 22264772). Therefore, this variant is classified as Pathogenic according to the recommendation of ACMG/AMP guideline.

Baylor Genetics
Classification: Pathogenic for 3-methylcrotonyl-CoA carboxylase 1 deficiency. Last evaluated: 2024-03-21. Review status: criteria provided, single submitter. Criteria: ACMG Guidelines, 2015. Collection method: clinical testing. Allele origin: unknown.

Fulgent Genetics
Classification: Likely pathogenic for 3-methylcrotonyl-CoA carboxylase 1 deficiency. Last evaluated: 2021-12-02. Review status: criteria provided, single submitter. Criteria: ACMG Guidelines, 2015. Collection method: clinical testing. Allele origin: unknown.

Genetics and Genomic Medicine Centre, NeuroGen Healthcare, NeuroGen Healthcare
Classification: Pathogenic for 3-methylcrotonyl-CoA carboxylase 1 deficiency. Last evaluated: 2021-11-17. Review status: criteria provided, single submitter. Criteria: Submitter's publication. Collection method: clinical testing. Allele origin: unknown. Affected: no.

Revvity Omics, Revvity
Classification: Pathogenic for 3-methylcrotonyl-CoA carboxylase 1 deficiency. Last evaluated: 2021-03-12. Review status: criteria provided, single submitter. Criteria: ACMG Guidelines, 2015. Collection method: clinical testing. Allele origin: germline.

Eurofins Ntd Llc (ga)
Classification: Pathogenic. Last evaluated: 2016-03-02. Review status: criteria provided, single submitter. Criteria: EGL Classification Definitions 2015. Collection method: clinical testing. Allele origin: germline. Observed: 1 variant allele, 1 heterozygote.

Literature cited by the submitters: PubMed 11181649 (cited by Labcorp Genetics (formerly Invitae), Labcorp); PubMed 15359379 (cited by Labcorp Genetics (formerly Invitae), Labcorp); PubMed 22642865 (cited by Labcorp Genetics (formerly Invitae), Labcorp); PubMed 22264772 (cited by Labcorp Genetics (formerly Invitae), Labcorp and 3billion); PubMed 25356967 (cited by Women's Health and Genetics/Laboratory Corporation of America, LabCorp and Natera, Inc.).

NM_020166.5(MCCC1):c.841C>T (p.Arg281Ter)

Gene: MCCC1 (methylcrotonyl-CoA carboxylase subunit 1; minus strand). Cytogenetic location: 3q27.1.
Variant type: single nucleotide variant.
Coding change: c.841C>T on transcript NM_020166.5 (MANE Select); coding-DNA position 841, C replaced by T.
Protein change: p.Arg281Ter; replaces arginine 281 with a stop codon.
Molecular consequence: nonsense. On other transcripts: non-coding transcript variant (2).
Genome position (GRCh38, 1-based): chr3:183,057,343, G>A on the plus strand (C>T on the coding strand, the complement: MCCC1 is on the minus strand). VCF-style: chr3-183057343-G-A. GRCh37 (hg19) VCF-style: chr3-182775131-G-A.
Other names: c.490C>T, p.Arg164Ter (NM_001293273.2); c.514C>T, p.Arg172Ter (NM_001363880.1); short protein forms R281*, R164*, R172*.
Identifiers: ClinVar variation 203795 (VCV000203795.27), dbSNP rs185741664, ClinGen allele CA312675.
Genomic context (GRCh38, chr3:183,057,343, plus strand): 5'-CTTACAAATTTCTTTCCAAGGTCCTTACCGCTGGGGCCTCCTCAATGATCTTCTGATGTC[G>A]CCTCTGCACACTACAGTCTCTTTCAAACAAGTACACAGCATTGCCATGGTGATCACCAAA-3'